The following is an entry in ClinVar:

ClinVar aggregate classification (germline): Benign/Likely benign. Review status: criteria provided, multiple submitters, no conflicts (2 of 4 stars). 4 submissions from 4 submitters: Benign (1); Likely benign (3). Last evaluated 2026-01-10.

Conditions:
Hereditary cancer-predisposing syndrome. Also called: Hereditary Cancer Syndrome; Hereditary neoplastic syndrome; Neoplastic Syndromes, Hereditary; Tumor predisposition. Identifiers: Orphanet 140162, MedGen C0027672, MeSH D009386, MONDO:0015356.
Renal cell carcinoma. Identifiers: Orphanet 217071, MedGen C0007134, MeSH D002292, MONDO:0005086, HP:0005584.
Papillary renal cell carcinoma type 1 (RCCP1). Also called: Renal adenocarcinoma; Renal cell carcinoma 1; Renal cell carcinoma, somatic; RENAL CELL CARCINOMA, PAPILLARY, 1, SOMATIC. Identifiers: Orphanet 47044, MedGen C1336839, OMIM 605074, HP:0011797.

Allele frequency attached by ClinVar (database versions not stated): gnomAD 0.00001; gnomAD exomes 0.00001 and 0.00002; TOPMed 0.00001; ExAC 0.00002.
gnomAD v4.1: 35 of 1,613,772 alleles (0.0022%); highest among the groups gnomAD compares: Non-Finnish European, 0.0029%; no homozygotes.

Submissions (4):

Labcorp Genetics (formerly Invitae), Labcorp
Classification: Likely benign for Renal cell carcinoma. Last evaluated: 2026-01-10. Review status: criteria provided, single submitter. Criteria: Invitae Variant Classification Sherloc (09022015). Collection method: clinical testing. Allele origin: germline.

Center for Genomic Medicine, Rigshospitalet, Copenhagen University Hospital
Classification: Likely benign. Last evaluated: 2025-03-04. Review status: criteria provided, single submitter. Criteria: ACMG Guidelines, 2015. Collection method: clinical testing. Allele origin: germline.

Myriad Genetics, Inc.
Classification: Benign for Papillary renal cell carcinoma type 1. Last evaluated: 2024-11-13. Review status: criteria provided, single submitter. Criteria: Myriad Autosomal Dominant, Autosomal Recessive and X-Linked Classification Criteria (2023). Collection method: clinical testing. Allele origin: unknown.
Comment: This variant is considered benign. This variant is a silent/synonymous amino acid change and it is not expected to impact splicing.

Ambry Genetics
Classification: Likely benign for Hereditary cancer-predisposing syndrome. Last evaluated: 2018-02-27. Review status: criteria provided, single submitter. Criteria: Ambry Variant Classification Scheme 2023. Collection method: clinical testing. Allele origin: germline.

NM_000245.4(MET):c.3276A>T (p.Val1092=)

Gene: MET (MET proto-oncogene, receptor tyrosine kinase; plus strand). Cytogenetic location: 7q31.2.
Variant type: single nucleotide variant.
Coding change: c.3276A>T on transcript NM_000245.4 (MANE Select); coding-DNA position 3276, A replaced by T.
Protein change: p.Val1092=; no amino-acid change (valine 1092 retained).
Molecular consequence: synonymous variant.
Genome position (GRCh38, 1-based): chr7:116,777,405, A>T. VCF-style: chr7-116777405-A-T. GRCh37 (hg19) VCF-style: chr7-116417459-A-T.
Other names: c.3330A>T (LRG_662t1); c.3330A>T, p.Val1110= (NM_001127500.3); c.1986A>T, p.Val662= (NM_001324402.2).
Identifiers: ClinVar variation 454237 (VCV000454237.19), dbSNP rs757338659, ClinGen allele CA4448688.
Genomic context (GRCh38, chr7:116,777,405, plus strand): 5'-ATTAAATGTTACGCAGTGCTAACCAAGTTCTTTCTTTTGCACAGGGCATTTTGGTTGTGT[A>T]TATCATGGGACTTTGTTGGACAATGATGGCAAGAAAATTCACTGTGCTGTGAAATCCTTG-3'
Protein context (NP_000236.2, residues 1082-1102): EVIGRGHFGC[Val1092=]YHGTLLDNDG